The following is an entry in ClinVar:

ClinVar aggregate classification (germline): Uncertain significance (1 of 4 stars; one submission).

Allele frequency attached by ClinVar (database versions not stated): ExAC 0.00001.
gnomAD v4.1: 2 of 1,597,974 alleles (0.00013%); highest among the groups gnomAD compares: Admixed American, 0.0033%; no homozygotes.

Submission:

Labcorp Genetics (formerly Invitae), Labcorp
Classification: Uncertain significance. Last evaluated: 2025-08-18. Review status: criteria provided, single submitter. Criteria: Invitae Variant Classification Sherloc (09022015). Collection method: clinical testing. Allele origin: germline.
Comment: This sequence change replaces glutamic acid, which is acidic and polar, with lysine, which is basic and polar, at codon 419 of the POLG2 protein (p.Glu419Lys). This variant is present in population databases (rs782082822, gnomAD 0.006%). This variant has not been reported in the literature in individuals affected with POLG2-related conditions. ClinVar contains an entry for this variant (Variation ID: 1427819). An algorithm developed to predict the effect of missense changes on protein structure and function (PolyPhen-2) suggests that this variant is likely to be disruptive. In summary, the available evidence is currently insufficient to determine the role of this variant in disease. Therefore, it has been classified as a Variant of Uncertain Significance.

NM_007215.4(POLG2):c.1255G>A (p.Glu419Lys)

Genes: MILR1 (mast cell immunoglobulin like receptor 1; plus strand), POLG2 (DNA polymerase gamma 2, accessory subunit; minus strand). Cytogenetic location: 17q23.3.
Variant type: single nucleotide variant.
Coding change: c.1255G>A on transcript NM_007215.4 (MANE Select); coding-DNA position 1255, G replaced by A.
Protein change: p.Glu419Lys; replaces glutamic acid 419 with lysine.
Molecular consequence: missense variant.
Genome position (GRCh38, 1-based): chr17:64,480,326, C>T on the plus strand (G>A on the coding strand, the complement: POLG2 is on the minus strand). VCF-style: chr17-64480326-C-T. GRCh37 (hg19) VCF-style: chr17-62476443-C-T.
Other names: short protein forms E419K.
Identifiers: ClinVar variation 1427819 (VCV001427819.6), dbSNP rs782082822, ClinGen allele CA8712793.
Genomic context (GRCh38, chr17:64,480,326, plus strand): 5'-TTTAATGAAAATACAATTCTTACTTCGAATAAAGTTGTTCCAATGAGGACTGCATAGTTT[C>T]CAAATAACCAGGCCACACAGAAATCCCATTTTCTAGTAACTCATTAAATAGCCCTTGACA-3'
Protein context (NP_009146.2, residues 409-429): NGISVWPGYL[Glu419Lys]TMQSSLEQLY